The following is an entry in ClinVar:

NM_012233.3(RAB3GAP1):c.1936A>G (p.Met646Val)

Gene: RAB3GAP1 (RAB3 GTPase activating protein catalytic subunit 1; plus strand). Cytogenetic location: 2q21.3.
Variant type: single nucleotide variant.
Coding change: c.1936A>G on transcript NM_012233.3 (MANE Select); coding-DNA position 1936, A replaced by G.
Protein change: p.Met646Val; replaces methionine 646 with valine.
Molecular consequence: missense variant.
Genome position (GRCh38, 1-based): chr2:135,150,381, A>G. VCF-style: chr2-135150381-A-G. GRCh37 (hg19) VCF-style: chr2-135907951-A-G.
Other names: c.1936A>G, p.Met646Val (NM_001172435.2); short protein forms M646V.
Identifiers: ClinVar variation 1994174 (VCV001994174.4), dbSNP rs778336794, ClinGen allele CA348581123.

ClinVar aggregate classification (germline): Uncertain significance (1 of 4 stars; one submission).

Allele frequency attached by ClinVar (database versions not stated): TOPMed below 0.00001.
gnomAD v4.1: 3 of 1,614,204 alleles (0.00019%); highest among the groups gnomAD compares: South Asian, 0.0011%; no homozygotes.

Submission:

Labcorp Genetics (formerly Invitae), Labcorp
Classification: Uncertain significance. Last evaluated: 2022-05-16. Review status: criteria provided, single submitter. Criteria: Invitae Variant Classification Sherloc (09022015). Collection method: clinical testing. Allele origin: germline.
Comment: This sequence change replaces methionine, which is neutral and non-polar, with valine, which is neutral and non-polar, at codon 646 of the RAB3GAP1 protein (p.Met646Val). This variant is not present in population databases (gnomAD no frequency). This variant has not been reported in the literature in individuals affected with RAB3GAP1-related conditions. Algorithms developed to predict the effect of missense changes on protein structure and function are either unavailable or do not agree on the potential impact of this missense change (SIFT: "Tolerated"; PolyPhen-2: "Probably Damaging"; Align-GVGD: "Class C0"). In summary, the available evidence is currently insufficient to determine the role of this variant in disease. Therefore, it has been classified as a Variant of Uncertain Significance.